The following is an entry in ClinVar:

ClinVar aggregate classification (germline): Uncertain significance (1 of 4 stars; one submission).

Conditions:
Generalized epilepsy with febrile seizures plus, type 7 (GEFSP7). Also called: GEFS+, TYPE 7. Identifiers: Orphanet 36387, MedGen C2751778, MONDO:0013470, OMIM 613863.
Neuropathy, hereditary sensory and autonomic, type 2A (HSAN2A). Also called: HSAN IIA; NEUROPATHY, CONGENITAL SENSORY; NEUROPATHY, HEREDITARY SENSORY RADICULAR, AUTOSOMAL RECESSIVE; NEUROPATHY, HEREDITARY SENSORY, TYPE IIA; NEUROPATHY, PROGRESSIVE SENSORY, OF CHILDREN; MORVAN DISEASE. Identifiers: Orphanet 970, MedGen C2752089, MONDO:0024309, OMIM 201300.

Submission:

Labcorp Genetics (formerly Invitae), Labcorp
Classification: Uncertain significance for Neuropathy, hereditary sensory and autonomic, type 2A; Generalized epilepsy with febrile seizures plus, type 7. Last evaluated: 2022-02-05. Review status: criteria provided, single submitter. Criteria: Invitae Variant Classification Sherloc (09022015). Collection method: clinical testing. Allele origin: germline.
Comment: This sequence change replaces lysine, which is basic and polar, with glutamic acid, which is acidic and polar, at codon 48 of the SCN9A protein (p.Lys48Glu). In summary, the available evidence is currently insufficient to determine the role of this variant in disease. Therefore, it has been classified as a Variant of Uncertain Significance. Algorithms developed to predict the effect of missense changes on protein structure and function are either unavailable or do not agree on the potential impact of this missense change (SIFT: "Deleterious"; PolyPhen-2: "Benign"; Align-GVGD: "Class C0"). This variant has not been reported in the literature in individuals affected with SCN9A-related conditions. This variant is not present in population databases (gnomAD no frequency).

NM_001365536.1(SCN9A):c.142A>G (p.Lys48Glu)

Gene: SCN9A (sodium voltage-gated channel alpha subunit 9; minus strand). Cytogenetic location: 2q24.3.
Variant type: single nucleotide variant.
Coding change: c.142A>G on transcript NM_001365536.1 (MANE Select); coding-DNA position 142, A replaced by G.
Protein change: p.Lys48Glu; replaces lysine 48 with glutamic acid.
Molecular consequence: missense variant.
Genome position (GRCh38, 1-based): chr2:166,311,615, T>C on the plus strand (A>G on the coding strand, the complement: SCN9A is on the minus strand). VCF-style: chr2-166311615-T-C. GRCh37 (hg19) VCF-style: chr2-167168125-T-C.
Other names: c.142A>G, p.Lys48Glu (NM_002977.4); short protein forms K48E.
Identifiers: ClinVar variation 1357438 (VCV001357438.8), dbSNP rs2105226773, ClinGen allele CA349096016.